The following is an entry in ClinVar:

ClinVar aggregate classification (germline): Uncertain significance. Review status: criteria provided, multiple submitters, no conflicts (2 of 4 stars). 3 submissions from 3 submitters: Uncertain significance (3). Last evaluated 2024-04-01.

Conditions:
Cardiovascular phenotype. Identifiers: MedGen CN230736.

Allele frequency attached by ClinVar (database versions not stated): gnomAD exomes 0.00004; gnomAD 0.00007 and 0.00008; TOPMed 0.00008; ExAC below 0.00001.
gnomAD v4.1: 76 of 1,549,848 alleles (0.0049%); highest among the groups gnomAD compares: Non-Finnish European, 0.005%; no homozygotes.

Submissions (3):

GeneDx
Classification: Uncertain significance. Last evaluated: 2024-04-01. Review status: criteria provided, single submitter. Criteria: GeneDx Variant Classification Process June 2021. Collection method: clinical testing. Allele origin: germline. Affected: yes.
Comment: Not observed at significant frequency in large population cohorts (gnomAD); In silico analysis supports that this missense variant does not alter protein structure/function; Has not been previously published as pathogenic or benign to our knowledge

Ambry Genetics
Classification: Uncertain significance for Cardiovascular phenotype. Last evaluated: 2023-04-01. Review status: criteria provided, single submitter. Criteria: Ambry Variant Classification Scheme 2023. Collection method: clinical testing. Allele origin: germline.
Comment: The p.L2906Q variant (also known as c.8717T>A), located in coding exon 2 of the ZNF469 gene, results from a T to A substitution at nucleotide position 8717. The leucine at codon 2906 is replaced by glutamine, an amino acid with dissimilar properties. This amino acid position is conserved. In addition, this alteration is predicted to be tolerated by in silico analysis. Since supporting evidence is limited at this time, the clinical significance of this alteration remains unclear.

Labcorp Genetics (formerly Invitae), Labcorp
Classification: Uncertain significance. Last evaluated: 2021-09-24. Review status: criteria provided, single submitter. Criteria: Invitae Variant Classification Sherloc (09022015). Collection method: clinical testing. Allele origin: germline.
Comment: This sequence change replaces leucine with glutamine at codon 2906 of the ZNF469 protein (p.Leu2906Gln). The leucine residue is moderately conserved and there is a moderate physicochemical difference between leucine and glutamine. The frequency data for this variant in the population databases is considered unreliable, as metrics indicate poor data quality at this position in the ExAC database. This variant has not been reported in the literature in individuals with ZNF469-related conditions. Algorithms developed to predict the effect of missense changes on protein structure and function are either unavailable or do not agree on the potential impact of this missense change (SIFT: "Deleterious"; PolyPhen-2: "Probably Damaging"; Align-GVGD: "Class C0"). Algorithms developed to predict the effect of sequence changes on RNA splicing suggest that this variant may create or strengthen a splice site, but this prediction has not been confirmed by published transcriptional studies. In summary, the available evidence is currently insufficient to determine the role of this variant in disease. Therefore, it has been classified as a Variant of Uncertain Significance.

NM_001367624.2(ZNF469):c.8801T>A (p.Leu2934Gln)

Gene: ZNF469 (zinc finger protein 469; plus strand). Cytogenetic location: 16q24.2.
Variant type: single nucleotide variant.
Coding change: c.8801T>A on transcript NM_001367624.2 (MANE Select); coding-DNA position 8801, T replaced by A.
Protein change: p.Leu2934Gln; replaces leucine 2934 with glutamine.
Molecular consequence: missense variant.
Genome position (GRCh38, 1-based): chr16:88,436,271, T>A. VCF-style: chr16-88436271-T-A. GRCh37 (hg19) VCF-style: chr16-88502679-T-A.
Other names: short protein forms L2934Q.
Identifiers: ClinVar variation 320995 (VCV000320995.12), dbSNP rs764531239, ClinGen allele CA8225376.
Genomic context (GRCh38, chr16:88,436,271, plus strand): 5'-ACTCCAGCTCCCTCTGCCTCTGCCATGAGGACCCGTGGGAGGACGAGGATCCCGCAGGTC[T>A]GCCCGAGTCCTTCCTCCTGGATGGGTTCCTCAATAGCAGGGTGCCTGGCATTGACCCCTG-3'
Protein context (NP_001354553.1, residues 2924-2944): DPWEDEDPAG[Leu2934Gln]PESFLLDGFL